The following is an entry in ClinVar:

ClinVar aggregate classification (germline): Uncertain significance (1 of 4 stars; one submission).

Allele frequency attached by ClinVar (database versions not stated): TOPMed below 0.00001.

Submission:

Labcorp Genetics (formerly Invitae), Labcorp
Classification: Uncertain significance. Last evaluated: 2022-09-06. Review status: criteria provided, single submitter. Criteria: Invitae Variant Classification Sherloc (09022015). Collection method: clinical testing. Allele origin: germline.
Comment: This sequence change replaces valine, which is neutral and non-polar, with leucine, which is neutral and non-polar, at codon 605 of the SLC7A14 protein (p.Val605Leu). In summary, the available evidence is currently insufficient to determine the role of this variant in disease. Therefore, it has been classified as a Variant of Uncertain Significance. Algorithms developed to predict the effect of missense changes on protein structure and function (SIFT, PolyPhen-2, Align-GVGD) all suggest that this variant is likely to be tolerated. ClinVar contains an entry for this variant (Variation ID: 1478737). This variant has not been reported in the literature in individuals affected with SLC7A14-related conditions. This variant is not present in population databases (gnomAD no frequency).

NM_020949.3(SLC7A14):c.1813G>T (p.Val605Leu)

Genes: SLC7A14 (solute carrier family 7 member 14; minus strand), SLC7A14-AS1 (SLC7A14 antisense RNA 1; plus strand). Cytogenetic location: 3q26.2.
Variant type: single nucleotide variant.
Coding change: c.1813G>T on transcript NM_020949.3 (MANE Select); coding-DNA position 1813, G replaced by T.
Protein change: p.Val605Leu; replaces valine 605 with leucine.
Molecular consequence: missense variant.
Genome position (GRCh38, 1-based): chr3:170,480,469, C>A on the plus strand (G>T on the coding strand, the complement: SLC7A14 is on the minus strand). VCF-style: chr3-170480469-C-A. GRCh37 (hg19) VCF-style: chr3-170198258-C-A.
Other names: short protein forms V605L.
Identifiers: ClinVar variation 1478737 (VCV001478737.8), dbSNP rs1291399643, ClinGen allele CA355489083.